The following is an entry in ClinVar:

NM_001378120.1(MBD5):c.2229T>A (p.Ser743Arg)

Gene: MBD5 (methyl-CpG binding domain protein 5; plus strand). Cytogenetic location: 2q23.1.
Variant type: single nucleotide variant.
Coding change: c.2229T>A on transcript NM_001378120.1 (MANE Select); coding-DNA position 2229, T replaced by A.
Protein change: p.Ser743Arg; replaces serine 743 with arginine.
Molecular consequence: missense variant.
Genome position (GRCh38, 1-based): chr2:148,470,172, T>A. VCF-style: chr2-148470172-T-A. GRCh37 (hg19) VCF-style: chr2-149227741-T-A.
Other names: c.2229T>A, p.Ser743Arg (NM_001438862.1, NM_018328.5, NM_001438854.1 and 7 more transcripts); short protein forms S743R.
Identifiers: ClinVar variation 4744882 (VCV004744882.1).
Genomic context (GRCh38, chr2:148,470,172, plus strand): 5'-TGGGGCCTCAAATACTGCTTTGCCTTGCTCTGCTAACCAGCTGCATTTTACAGATCCCAG[T>A]ATGAACTCTAGTGTTCTTCAGAACATACCTTTAAGAGGGGAAGCCGTGCACTGCCACAAT-3'
Protein context (NP_001365049.1, residues 733-753): SANQLHFTDP[Ser743Arg]MNSSVLQNIP

ClinVar aggregate classification (germline): Uncertain significance (1 of 4 stars; one submission).

Conditions:
Intellectual developmental disorder, autosomal dominant 1. Also called: MBD5 Haploinsufficiency; Intellectual disability, autosomal dominant 1. Identifiers: Orphanet 228402, MedGen C1969562, MONDO:0007974, OMIM 156200.

Submission:

Labcorp Genetics (formerly Invitae), Labcorp
Classification: Uncertain significance for Intellectual developmental disorder, autosomal dominant 1. Last evaluated: 2026-01-01. Review status: criteria provided, single submitter. Criteria: Invitae Variant Classification Sherloc (09022015). Collection method: clinical testing. Allele origin: germline.
Comment: This sequence change replaces serine, which is neutral and polar, with arginine, which is basic and polar, at codon 743 of the MBD5 protein (p.Ser743Arg). This variant is not present in population databases (gnomAD no frequency). This variant has not been reported in the literature in individuals affected with MBD5-related conditions. Invitae Evidence Modeling of protein sequence and biophysical properties (such as structural, functional, and spatial information, amino acid conservation, physicochemical variation, residue mobility, and thermodynamic stability) indicates that this missense variant is not expected to disrupt MBD5 protein function with a negative predictive value of 80%. In summary, the available evidence is currently insufficient to determine the role of this variant in disease. Therefore, it has been classified as a Variant of Uncertain Significance.